The following is an entry in ClinVar:

NM_003128.3(SPTBN1):c.2086C>T (p.Gln696Ter)

Gene: SPTBN1 (spectrin beta, non-erythrocytic 1; plus strand). Cytogenetic location: 2p16.2.
Variant type: single nucleotide variant.
Coding change: c.2086C>T on transcript NM_003128.3 (MANE Select); coding-DNA position 2086, C replaced by T.
Protein change: p.Gln696Ter; replaces glutamine 696 with a stop codon.
Molecular consequence: nonsense.
Genome position (GRCh38, 1-based): chr2:54,629,220, C>T. VCF-style: chr2-54629220-C-T. GRCh37 (hg19) VCF-style: chr2-54856357-C-T.
Other names: c.2047C>T, p.Gln683Ter (NM_178313.3); short protein forms Q683*, Q696*.
Identifiers: ClinVar variation 3067455 (VCV003067455.21), dbSNP rs2549525926, ClinGen allele CA346879570.

ClinVar aggregate classification (germline): Likely pathogenic (1 of 4 stars; one submission).

Submission:

CeGaT Center for Human Genetics Tuebingen
Classification: Likely pathogenic. Last evaluated: 2024-03-01. Review status: criteria provided, single submitter. Criteria: CeGaT Center For Human Genetics Tuebingen Variant Classification Criteria Version 2. Collection method: clinical testing. Allele origin: germline. Affected: yes. Observed: 1 variant allele.
Comment: SPTBN1: PVS1:Strong, PM2